The following is an entry in ClinVar:

ClinVar aggregate classification (germline): Uncertain significance (1 of 4 stars; one submission).

Submission:

Dasa
Classification: Uncertain significance. Last evaluated: 2025-01-25. Review status: criteria provided, single submitter. Criteria: DASA Assertion Criteria. Collection method: clinical testing. Allele origin: germline.
Comment: NM_021098.3(CACNA1H):c.6778C>T (p.His2260Tyr) is a missense variant that results in the substitution of histidine with tyrosine. This variant has been observed in affected individuals with related phenotype in a genotype context consistent with recessive disease. Multiple computational predictions support a deleterious effect on the gene or gene product. The variant is present at low frequency in population datasets. Based on the available data, this variant is classified as variant of uncertain significance.

NM_021098.3(CACNA1H):c.6778C>T (p.His2260Tyr)

Gene: CACNA1H (calcium voltage-gated channel subunit alpha1 H; plus strand). Cytogenetic location: 16p13.3.
Variant type: single nucleotide variant.
Coding change: c.6778C>T on transcript NM_021098.3 (MANE Select); coding-DNA position 6778, C replaced by T.
Protein change: p.His2260Tyr; replaces histidine 2260 with tyrosine.
Molecular consequence: missense variant.
Genome position (GRCh38, 1-based): chr16:1,220,710, C>T. VCF-style: chr16-1220710-C-T. GRCh37 (hg19) VCF-style: chr16-1270710-C-T.
Other names: c.6760C>T, p.His2254Tyr (NM_001005407.2); short protein forms H2254Y, H2260Y.
Identifiers: ClinVar variation 4851804 (VCV004851804.1).